The following is an entry in ClinVar:

NM_001105206.3(LAMA4):c.503+2T>C

Gene: LAMA4 (laminin subunit alpha 4; minus strand). Cytogenetic location: 6q21.
Variant type: single nucleotide variant.
Coding change: c.503+2T>C on transcript NM_001105206.3 (MANE Select); the canonical splice donor site of the intron after coding-DNA position 503, T replaced by C.
Molecular consequence: splice donor variant.
Genome position (GRCh38, 1-based): chr6:112,201,606, A>G on the plus strand (T>C on the coding strand, the complement: LAMA4 is on the minus strand). VCF-style: chr6-112201606-A-G. GRCh37 (hg19) VCF-style: chr6-112522807-A-G.
Other names: c.503+2T>C (NM_002290.5, NM_001105207.3).
Identifiers: ClinVar variation 4859084 (VCV004859084.1).

ClinVar aggregate classification (germline): Uncertain significance (1 of 4 stars; one submission).

Conditions:
Cardiovascular phenotype. Identifiers: MedGen CN230736.

gnomAD v4.1: 2 of 1,612,342 alleles (0.00012%); highest among the groups gnomAD compares: South Asian, 0.0022%; no homozygotes.

Submission:

Ambry Genetics
Classification: Uncertain significance for Cardiovascular phenotype. Last evaluated: 2026-03-24. Review status: criteria provided, single submitter. Criteria: Ambry Variant Classification Scheme 2023. Collection method: clinical testing. Allele origin: germline.
Comment: The c.503+2T>C intronic variant results from a T to C substitution two nucleotides after coding exon 4 in the LAMA4 gene. This nucleotide position is highly conserved in available vertebrate species. In silico splice site analysis predicts that this alteration may weaken the native splice donor site. The evidence for this gene-disease relationship is limited; therefore, the clinical significance of this variant is unclear.